The following is an entry in ClinVar:

NC_000003.11:g.(?_50340112)_(50342638_?)del

Gene: HYAL1 (hyaluronidase 1; minus strand). Cytogenetic location: 3p21.31.
Variant type: Deletion.
Identifiers: ClinVar variation 2427429 (VCV002427429.4).

ClinVar aggregate classification (germline): Pathogenic (1 of 4 stars; one submission).

Conditions:
Deficiency of hyaluronoglucosaminidase (MPS9). Also called: HYALURONIDASE DEFICIENCY; Mucopolysaccharidosis type 9; MPS IX. Identifiers: Orphanet 67041, MedGen C1291490, MONDO:0011093, OMIM 601492.

Submission:

Labcorp Genetics (formerly Invitae), Labcorp
Classification: Pathogenic for Deficiency of hyaluronoglucosaminidase. Last evaluated: 2022-01-04. Review status: criteria provided, single submitter. Criteria: Invitae Variant Classification Sherloc (09022015). Collection method: clinical testing. Allele origin: germline.
Comment: For these reasons, this variant has been classified as Pathogenic. This variant has not been reported in the literature in individuals affected with HYAL1-related conditions. This variant results in the deletion of exon 3 and part of exon 4 (c.-190-1254_276del) of the HYAL1 gene. It is expected to result in an absent or disrupted protein product. Loss-of-function variants in HYAL1 are known to be pathogenic (PMID: 10339581, 21559944).

Literature cited by the submitters: PubMed 10339581; PubMed 21559944.